The following is an entry in ClinVar:

ClinVar aggregate classification (germline): Uncertain significance (1 of 4 stars; one submission).

Conditions:
Inborn genetic diseases. Identifiers: MedGen C0950123, MeSH D030342.

Submission:

Ambry Genetics
Classification: Uncertain significance for Inborn genetic diseases. Last evaluated: 2026-02-24. Review status: criteria provided, single submitter. Criteria: Ambry Variant Classification Scheme 2023. Collection method: clinical testing. Allele origin: germline.
Comment: The p.E26K variant (also known as c.76G>A), located in coding exon 2 of the DDX41 gene, results from a G to A substitution at nucleotide position 76. The glutamic acid at codon 26 is replaced by lysine, an amino acid with similar properties. This amino acid position is conserved. In addition, this alteration is predicted to be tolerated by in silico analysis. Based on the available evidence, the clinical significance of this variant remains unclear.

NM_016222.4(DDX41):c.76G>A (p.Glu26Lys)

Gene: DDX41 (DEAD-box helicase 41; minus strand). Cytogenetic location: 5q35.3.
Variant type: single nucleotide variant.
Coding change: c.76G>A on transcript NM_016222.4 (MANE Select); coding-DNA position 76, G replaced by A.
Protein change: p.Glu26Lys; replaces glutamic acid 26 with lysine.
Molecular consequence: missense variant. On other transcripts: 5 prime UTR variant (2).
Genome position (GRCh38, 1-based): chr5:177,516,787, C>T on the plus strand (G>A on the coding strand, the complement: DDX41 is on the minus strand). VCF-style: chr5-177516787-C-T. GRCh37 (hg19) VCF-style: chr5-176943788-C-T.
Other names: c.-580G>A (NM_001321732.2); c.-372G>A (NM_001321830.2); short protein forms E26K.
Identifiers: ClinVar variation 4826038 (VCV004826038.1).